The following is an entry in ClinVar:

NM_001164508.2(NEB):c.20407G>A (p.Gly6803Ser)

Gene: NEB (nebulin; minus strand). Cytogenetic location: 2q23.3.
Variant type: single nucleotide variant.
Coding change: c.20407G>A on transcript NM_001164508.2 (MANE Select); coding-DNA position 20407, G replaced by A.
Protein change: p.Gly6803Ser; replaces glycine 6803 with serine.
Molecular consequence: missense variant.
Genome position (GRCh38, 1-based): chr2:151,546,404, C>T on the plus strand (G>A on the coding strand, the complement: NEB is on the minus strand). VCF-style: chr2-151546404-C-T. GRCh37 (hg19) VCF-style: chr2-152402918-C-T.
Other names: c.20407G>A, p.Gly6803Ser (NM_001164507.2, NM_001271208.2); c.15304G>A, p.Gly5102Ser (NM_004543.5); short protein forms G5102S, G6803S.
Identifiers: ClinVar variation 1718127 (VCV001718127.6), dbSNP rs2552174467, ClinGen allele CA348781047.
Genomic context (GRCh38, chr2:151,546,404, plus strand): 5'-CCCAGAGCTTCCGCAGGTGCCGGGAGCGGACCATGTCAGGAGTGTCATACAGGAAGCAGC[C>T]AAATCCCTTCAGGACCTGCAAGTCCTCTTTGTATTTAATCTGAGAGGCAAACACAGAAAT-3'
Protein context (NP_001157980.2, residues 6793-6813): KEDLQVLKGF[Gly6803Ser]CFLYDTPDMV

ClinVar aggregate classification (germline): Uncertain significance. Review status: criteria provided, multiple submitters, no conflicts (2 of 4 stars). 2 submissions from 2 submitters: Uncertain significance (2). Last evaluated 2024-04-30.

Conditions:
Nemaline myopathy 2 (NEM2). Also called: Nemaline myopathy 2, autosomal recessive. Identifiers: MedGen C1850569, MONDO:0009725, OMIM 256030.

Submissions (2):

GeneDx
Classification: Uncertain significance. Last evaluated: 2024-04-30. Review status: criteria provided, single submitter. Criteria: GeneDx Variant Classification Process June 2021. Collection method: clinical testing. Allele origin: germline. Affected: yes.
Comment: Not observed at significant frequency in large population cohorts (gnomAD); In silico analysis supports that this missense variant has a deleterious effect on protein structure/function; Has not been previously published as pathogenic or benign to our knowledge

Labcorp Genetics (formerly Invitae), Labcorp
Classification: Uncertain significance for Nemaline myopathy 2. Last evaluated: 2024-02-24. Review status: criteria provided, single submitter. Criteria: Invitae Variant Classification Sherloc (09022015). Collection method: clinical testing. Allele origin: germline.
Comment: This sequence change replaces glycine, which is neutral and non-polar, with serine, which is neutral and polar, at codon 6803 of the NEB protein (p.Gly6803Ser). This variant is not present in population databases (gnomAD no frequency). This variant has not been reported in the literature in individuals affected with NEB-related conditions. ClinVar contains an entry for this variant (Variation ID: 1718127). Algorithms developed to predict the effect of missense changes on protein structure and function output the following: SIFT: "Not Available"; PolyPhen-2: "Not Available"; Align-GVGD: "Not Available". The serine amino acid residue is found in multiple mammalian species, which suggests that this missense change does not adversely affect protein function. In summary, the available evidence is currently insufficient to determine the role of this variant in disease. Therefore, it has been classified as a Variant of Uncertain Significance.